The following is an entry in ClinVar:

NM_152564.5(VPS13B):c.3157A>T (p.Met1053Leu)

Gene: VPS13B (vacuolar protein sorting 13 homolog B; plus strand). Cytogenetic location: 8q22.2.
Variant type: single nucleotide variant.
Coding change: c.3157A>T on transcript NM_152564.5 (MANE Select); coding-DNA position 3157, A replaced by T.
Protein change: p.Met1053Leu; replaces methionine 1053 with leucine.
Molecular consequence: missense variant.
Genome position (GRCh38, 1-based): chr8:99,431,611, A>T. VCF-style: chr8-99431611-A-T. GRCh37 (hg19) VCF-style: chr8-100443839-A-T.
Other names: c.3157A>T, p.Met1053Leu (NM_017890.5); short protein forms M1053L.
Identifiers: ClinVar variation 4988812 (VCV004988812.1).
Genomic context (GRCh38, chr8:99,431,611, plus strand): 5'-TCAGTTCCTGTTAAAGCCATGTTGAATATATCTGAAAGCTGTAGAAGTCCTGAAGAAAGA[A>T]TGAAGGAATTTATTGGAATTGTTTGGAATGCAGTGAAGCATCTCACACTACAGGTAAAAT-3'
Protein context (NP_689777.3, residues 1043-1063): SESCRSPEER[Met1053Leu]KEFIGIVWNA

ClinVar aggregate classification (germline): Uncertain significance (1 of 4 stars; one submission).

Conditions:
VPS13B-related disorder. Also called: VPS13B-related condition.

Submission:

PreventionGenetics, part of Exact Sciences
Classification: Uncertain significance for VPS13B-related condition. Last evaluated: 2026-01-30. Review status: criteria provided, single submitter. Criteria: ACMG Guidelines, 2015. Collection method: clinical testing. Allele origin: germline.
Comment: The VPS13B c.3157A>T variant is predicted to result in the amino acid substitution p.Met1053Leu. To our knowledge, this variant has not been reported in the literature or in a large population database (gnomAD), indicating this variant is rare. At this time, the clinical significance of this variant is uncertain due to the absence of conclusive functional and genetic evidence.